The following is an entry in ClinVar:

ClinVar aggregate classification (germline): Uncertain significance (1 of 4 stars; one submission).

Conditions:
NFIA-Related Disorder. Also called: NFIA-related condition; NFIA-related disorders. Identifiers: MedGen CN381099.

gnomAD v4.1: 1 of 1,614,086 alleles (0.000062%); no homozygotes.

Submission:

PreventionGenetics, part of Exact Sciences
Classification: Uncertain significance for NFIA-related condition. Last evaluated: 2025-07-23. Review status: criteria provided, single submitter. Criteria: ACMG Guidelines, 2015. Collection method: clinical testing. Allele origin: germline.
Comment: The NFIA c.1135C>T variant is predicted to result in the amino acid substitution p.Pro379Ser. To our knowledge, this variant has not been reported in the literature or in a large population database (gnomAD), indicating this variant is rare. At this time, the clinical significance of this variant is uncertain due to the absence of conclusive functional and genetic evidence.

NM_001134673.4(NFIA):c.1135C>T (p.Pro379Ser)

Gene: NFIA (nuclear factor I A; plus strand). Cytogenetic location: 1p31.3.
Variant type: single nucleotide variant.
Coding change: c.1135C>T on transcript NM_001134673.4 (MANE Select); coding-DNA position 1135, C replaced by T.
Protein change: p.Pro379Ser; replaces proline 379 with serine.
Molecular consequence: missense variant.
Genome position (GRCh38, 1-based): chr1:61,404,163, C>T. VCF-style: chr1-61404163-C-T. GRCh37 (hg19) VCF-style: chr1-61869835-C-T.
Other names: c.1111C>T, p.Pro371Ser (NM_001145511.2); c.1270C>T, p.Pro424Ser (NM_001145512.2); c.1135C>T, p.Pro379Ser (NM_005595.5); short protein forms P379S, P371S, P424S.
Identifiers: ClinVar variation 4982866 (VCV004982866.1).
Genomic context (GRCh38, chr1:61,404,163, plus strand): 5'-GCAAGTCCGCATGCAACACCATCGACTCTTCATTTCCCGACATCACCCATTATCCAGCAG[C>T]CTGGGCCTTACTTCTCACACCCAGCCATCCGCTATCACCCTCAGGAGACGCTGAAAGAAT-3'
Protein context (NP_001128145.1, residues 369-389): HFPTSPIIQQ[Pro379Ser]GPYFSHPAIR